The following is an entry in ClinVar:

NM_006361.6(HOXB13):c.163G>C (p.Gly55Arg)

Gene: HOXB13 (homeobox B13; minus strand). Cytogenetic location: 17q21.32.
Variant type: single nucleotide variant.
Coding change: c.163G>C on transcript NM_006361.6 (MANE Select); coding-DNA position 163, G replaced by C.
Protein change: p.Gly55Arg; replaces glycine 55 with arginine.
Molecular consequence: missense variant.
Genome position (GRCh38, 1-based): chr17:48,728,431, C>G on the plus strand (G>C on the coding strand, the complement: HOXB13 is on the minus strand). VCF-style: chr17-48728431-C-G. GRCh37 (hg19) VCF-style: chr17-46805793-C-G.
Other names: short protein forms G55R.
Identifiers: ClinVar variation 690576 (VCV000690576.4), dbSNP rs1484636342, ClinGen allele CA400109038.

ClinVar aggregate classification (germline): Uncertain significance. Review status: criteria provided, single submitter (1 of 4 stars). 2 submissions from 2 submitters: Uncertain significance (1). 1 of the submissions does not count toward it. Last evaluated 2023-02-16.

Conditions:
Hereditary cancer-predisposing syndrome. Also called: Neoplastic Syndromes, Hereditary; Tumor predisposition; Hereditary neoplastic syndrome; Hereditary Cancer Syndrome. Identifiers: Orphanet 140162, MedGen C0027672, MeSH D009386, MONDO:0015356.
Prostate cancer, hereditary, 1 (HPC1). Identifiers: Orphanet 1331, MedGen C4722327, MONDO:0011098, OMIM 601518.

Allele frequency attached by ClinVar (database versions not stated): gnomAD exomes below 0.00001.

Submissions (2):

Ambry Genetics
Classification: Uncertain significance for Hereditary cancer-predisposing syndrome. Last evaluated: 2023-02-16. Review status: criteria provided, single submitter. Criteria: Ambry Variant Classification Scheme 2023. Collection method: clinical testing. Allele origin: germline.
Comment: The p.G55R variant (also known as c.163G>C), located in coding exon 1 of the HOXB13 gene, results from a G to C substitution at nucleotide position 163. The glycine at codon 55 is replaced by arginine, an amino acid with dissimilar properties. This amino acid position is conserved. In addition, this alteration is predicted to be tolerated by in silico analysis. Since supporting evidence is limited at this time, the clinical significance of this alteration remains unclear.

Laboratory of Virology, Microbiology,  Quality and Medical Biotechnologies, Faculty of Sciences and Techniques - Mohammedia, Hassan II University of Casablanca
Classification: Uncertain significance for Prostate cancer, hereditary, 1. Review status: no assertion criteria provided. Collection method: clinical testing. Allele origin: somatic. Affected: yes. Not counted in ClinVar's aggregate classification.